The following is an entry in ClinVar:

NM_006794.4(GPR75):c.546A>G (p.Lys182=)

Genes: GPR75 (G protein-coupled receptor 75; minus strand), GPR75-ASB3 (GPR75-ASB3 readthrough; minus strand). Cytogenetic location: 2p16.2.
Variant type: single nucleotide variant.
Coding change: c.546A>G on transcript NM_006794.4 (MANE Select); coding-DNA position 546, A replaced by G.
Protein change: p.Lys182=; no amino-acid change (lysine 182 retained).
Molecular consequence: synonymous variant. On other transcripts: intron variant (1).
Genome position (GRCh38, 1-based): chr2:53,854,211, T>C on the plus strand (A>G on the coding strand, the complement: GPR75 is on the minus strand). VCF-style: chr2-53854211-T-C. GRCh37 (hg19) VCF-style: chr2-54081348-T-C.
Other names: c.101+5617A>G (NM_001164165.2).
Identifiers: ClinVar variation 3040357 (VCV003040357.2), dbSNP rs144034145, ClinGen allele CA1657100.

ClinVar aggregate classification (germline): Likely benign (0 of 4 stars; one submission).

Conditions:
GPR75-related disorder. Also called: GPR75-related condition.

Allele frequency attached by ClinVar (database versions not stated): gnomAD exomes 0.00010; ExAC 0.00040; gnomAD 0.00115; ESP Exome Variant Server 0.00123; TOPMed 0.00123; 1000 Genomes Project 0.00140; 1000 Genomes Project 30x 0.00187.

Submission:

PreventionGenetics, part of Exact Sciences
Classification: Likely benign for GPR75-related condition. Last evaluated: 2022-05-31. Review status: no assertion criteria provided. Collection method: clinical testing. Allele origin: germline.
Comment: This variant is classified as likely benign based on ACMG/AMP sequence variant interpretation guidelines (Richards et al. 2015 PMID: 25741868, with internal and published modifications).